The following is an entry in ClinVar:

NM_004168.4(SDHA):c.817A>G (p.Thr273Ala)

Gene: SDHA (succinate dehydrogenase complex flavoprotein subunit A; plus strand). Cytogenetic location: 5p15.33.
Variant type: single nucleotide variant.
Coding change: c.817A>G on transcript NM_004168.4 (MANE Select); coding-DNA position 817, A replaced by G.
Protein change: p.Thr273Ala; replaces threonine 273 with alanine.
Molecular consequence: missense variant.
Genome position (GRCh38, 1-based): chr5:230,922, A>G. VCF-style: chr5-230922-A-G. GRCh37 (hg19) VCF-style: chr5-231037-A-G.
Other names: c.817A>G (NM_004168.2); c.673A>G, p.Thr225Ala (NM_001294332.2); c.817A>G, p.Thr273Ala (NM_001330758.2); short protein forms T225A, T273A.
Identifiers: ClinVar variation 957359 (VCV000957359.12), dbSNP rs1735357615, ClinGen allele CA359011675.

ClinVar aggregate classification (germline): Uncertain significance. Review status: criteria provided, multiple submitters, no conflicts (2 of 4 stars). 3 submissions from 3 submitters: Uncertain significance (3). Last evaluated 2024-10-04.

Conditions:
Hereditary cancer-predisposing syndrome. Also called: Neoplastic Syndromes, Hereditary; Tumor predisposition; Hereditary neoplastic syndrome; Hereditary Cancer Syndrome. Identifiers: Orphanet 140162, MedGen C0027672, MeSH D009386, MONDO:0015356.
Pheochromocytoma/paraganglioma syndrome 5. Also called: Paragangliomas 5; SDHA-Related Hereditary Paraganglioma-Pheochromocytoma Syndrome. Identifiers: Orphanet 29072, MedGen C3279992, MONDO:0013602, OMIM 614165.
Mitochondrial complex II deficiency, nuclear type 1. Also called: SUCCINATE CoQ REDUCTASE DEFICIENCY. Identifiers: Orphanet 3208, MedGen C5700310, MONDO:0100294, OMIM 252011.

Submissions (3):

Ambry Genetics
Classification: Uncertain significance for Hereditary cancer-predisposing syndrome. Last evaluated: 2024-10-04. Review status: criteria provided, single submitter. Criteria: Ambry Variant Classification Scheme 2023. Collection method: clinical testing. Allele origin: germline.
Comment: The p.T273A variant (also known as c.817A>G), located in coding exon 7 of the SDHA gene, results from an A to G substitution at nucleotide position 817. The threonine at codon 273 is replaced by alanine, an amino acid with similar properties. This amino acid position is highly conserved in available vertebrate species. In addition, this alteration is predicted to be deleterious by in silico analysis. Based on the available evidence, the clinical significance of this variant remains unclear.

Blueprint Genetics
Classification: Uncertain significance. Last evaluated: 2024-06-07. Review status: criteria provided, single submitter. Criteria: ACMG Guidelines, 2015. Collection method: clinical testing. Allele origin: germline.

Labcorp Genetics (formerly Invitae), Labcorp
Classification: Uncertain significance for Pheochromocytoma/paraganglioma syndrome 5; Mitochondrial complex II deficiency, nuclear type 1. Last evaluated: 2019-08-25. Review status: criteria provided, single submitter. Criteria: Invitae Variant Classification Sherloc (09022015). Collection method: clinical testing. Allele origin: germline.
Comment: In summary, the available evidence is currently insufficient to determine the role of this variant in disease. Therefore, it has been classified as a Variant of Uncertain Significance. Algorithms developed to predict the effect of missense changes on protein structure and function are either unavailable or do not agree on the potential impact of this missense change (SIFT: "Deleterious"; PolyPhen-2: "Benign"; Align-GVGD: "Class C55"). This variant has not been reported in the literature in individuals with SDHA-related conditions. This variant is not present in population databases (ExAC no frequency). This sequence change replaces threonine with alanine at codon 273 of the SDHA protein (p.Thr273Ala). The threonine residue is highly conserved and there is a small physicochemical difference between threonine and alanine.